The following is an entry in ClinVar:

ClinVar aggregate classification (germline): Uncertain significance (1 of 4 stars; one submission).

Conditions:
Inborn genetic diseases. Identifiers: MedGen C0950123, MeSH D030342.

Submission:

Ambry Genetics
Classification: Uncertain significance for Inborn genetic diseases. Last evaluated: 2025-12-20. Review status: criteria provided, single submitter. Criteria: Ambry Variant Classification Scheme 2023. Collection method: clinical testing. Allele origin: germline.
Comment: The p.A331S variant (also known as c.991G>T), located in coding exon 11 of the RTEL1 gene, results from a G to T substitution at nucleotide position 991. The alanine at codon 331 is replaced by serine, an amino acid with similar properties. This amino acid position is conserved. In addition, the in silico prediction for this alteration is inconclusive. Based on the available evidence, the clinical significance of this variant remains unclear.

NM_001283009.2(RTEL1):c.991G>T (p.Ala331Ser)

Genes: RTEL1 (regulator of telomere elongation helicase 1; plus strand), RTEL1-TNFRSF6B (RTEL1-TNFRSF6B readthrough (NMD candidate); plus strand). Cytogenetic location: 20q13.33.
Variant type: single nucleotide variant.
Coding change: c.991G>T on transcript NM_001283009.2 (MANE Select); coding-DNA position 991, G replaced by T.
Protein change: p.Ala331Ser; replaces alanine 331 with serine.
Molecular consequence: missense variant. On other transcripts: non-coding transcript variant (1).
Genome position (GRCh38, 1-based): chr20:63,678,300, G>T. VCF-style: chr20-63678300-G-T. GRCh37 (hg19) VCF-style: chr20-62309653-G-T.
Other names: c.322G>T, p.Ala108Ser (NM_001283010.1); c.991G>T, p.Ala331Ser (NM_016434.4); c.1063G>T, p.Ala355Ser (NM_032957.5); short protein forms A108S, A331S, A355S.
Identifiers: ClinVar variation 4844071 (VCV004844071.1).